The following is an entry in ClinVar:

NM_015047.3(EMC1):c.122A>T (p.Lys41Met)

Gene: EMC1 (ER membrane protein complex subunit 1; minus strand). Cytogenetic location: 1p36.13.
Variant type: single nucleotide variant.
Coding change: c.122A>T on transcript NM_015047.3 (MANE Select); coding-DNA position 122, A replaced by T.
Protein change: p.Lys41Met; replaces lysine 41 with methionine.
Molecular consequence: missense variant.
Genome position (GRCh38, 1-based): chr1:19,245,004, T>A on the plus strand (A>T on the coding strand, the complement: EMC1 is on the minus strand). VCF-style: chr1-19245004-T-A. GRCh37 (hg19) VCF-style: chr1-19571498-T-A.
Other names: c.122A>T, p.Lys41Met (NM_001271427.2, NM_001271428.2, NM_001271429.2 and 2 more transcripts); short protein forms K41M.
Identifiers: ClinVar variation 2135009 (VCV002135009.4), dbSNP rs758010612, ClinGen allele CA653044.

ClinVar aggregate classification (germline): Uncertain significance (1 of 4 stars; one submission).

Allele frequency attached by ClinVar (database versions not stated): gnomAD exomes below 0.00001; ExAC 0.00001.

Submission:

Labcorp Genetics (formerly Invitae), Labcorp
Classification: Uncertain significance. Last evaluated: 2022-05-07. Review status: criteria provided, single submitter. Criteria: Invitae Variant Classification Sherloc (09022015). Collection method: clinical testing. Allele origin: germline.
Comment: Algorithms developed to predict the effect of missense changes on protein structure and function are either unavailable or do not agree on the potential impact of this missense change (SIFT: "Deleterious"; PolyPhen-2: "Possibly Damaging"; Align-GVGD: "Class C0"). This sequence change replaces lysine, which is basic and polar, with methionine, which is neutral and non-polar, at codon 41 of the EMC1 protein (p.Lys41Met). This variant is present in population databases (rs758010612, gnomAD 0.0009%). This variant has not been reported in the literature in individuals affected with EMC1-related conditions. In summary, the available evidence is currently insufficient to determine the role of this variant in disease. Therefore, it has been classified as a Variant of Uncertain Significance.